The following is an entry in ClinVar:

NM_002772.3(TMPRSS15):c.2539T>C (p.Ser847Pro)

Gene: TMPRSS15 (transmembrane serine protease 15; minus strand). Cytogenetic location: 21q21.1.
Variant type: single nucleotide variant.
Coding change: c.2539T>C on transcript NM_002772.3 (MANE Select); coding-DNA position 2539, T replaced by C.
Protein change: p.Ser847Pro; replaces serine 847 with proline.
Molecular consequence: missense variant.
Genome position (GRCh38, 1-based): chr21:18,281,169, A>G on the plus strand (T>C on the coding strand, the complement: TMPRSS15 is on the minus strand). VCF-style: chr21-18281169-A-G. GRCh37 (hg19) VCF-style: chr21-19653486-A-G.
Other names: c.2539T>C (NM_002772.2); short protein forms S847P.
Identifiers: ClinVar variation 2079156 (VCV002079156.3), dbSNP rs139897792, ClinGen allele CA9984007.
Genomic context (GRCh38, chr21:18,281,169, plus strand): 5'-GAGGGTTTATGACAATTTCATCTATTAATCGAGGGACTGTTTGAGGAGAGGTCAGATTTG[A>G]TTTCATATGCAGGCCTAGGATTGCTGTCCACTTGGATGGCTCTAAGTTTCTCCTGAAAAT-3'
Protein context (NP_002763.3, residues 837-857): WTAILGLHMK[Ser847Pro]NLTSPQTVPR

ClinVar aggregate classification (germline): Uncertain significance. Review status: criteria provided, multiple submitters, no conflicts (2 of 4 stars). 3 submissions from 3 submitters: Uncertain significance (3). Last evaluated 2025-07-15.

Conditions:
Enterokinase deficiency. Also called: ENTEROPEPTIDASE DEFICIENCY; Congenital enteropathy due to enteropeptidase deficiency; Deficiency of enteropeptidase. Identifiers: Orphanet 168601, MedGen C0268416, MONDO:0009173, OMIM 226200.

Allele frequency attached by ClinVar (database versions not stated): ExAC 0.00016; gnomAD 0.00060; TOPMed 0.00062; ESP Exome Variant Server 0.00108.
gnomAD v4.1: 152 of 1,614,032 alleles (0.0094%); highest among the groups gnomAD compares: African/African-American, 0.19%; 1 homozygote.

Submissions (3):

Ambry Genetics
Classification: Uncertain significance. Last evaluated: 2025-07-15. Review status: criteria provided, single submitter. Criteria: Ambry Variant Classification Scheme 2023. Collection method: clinical testing. Allele origin: germline.

Fulgent Genetics
Classification: Uncertain significance for Enterokinase deficiency. Last evaluated: 2024-01-19. Review status: criteria provided, single submitter. Criteria: ACMG Guidelines, 2015. Collection method: clinical testing. Allele origin: germline.

Labcorp Genetics (formerly Invitae), Labcorp
Classification: Uncertain significance. Last evaluated: 2022-06-15. Review status: criteria provided, single submitter. Criteria: Invitae Variant Classification Sherloc (09022015). Collection method: clinical testing. Allele origin: germline.
Comment: This sequence change replaces serine, which is neutral and polar, with proline, which is neutral and non-polar, at codon 847 of the TMPRSS15 protein (p.Ser847Pro). This variant is present in population databases (rs139897792, gnomAD 0.2%). This variant has not been reported in the literature in individuals affected with TMPRSS15-related conditions. Algorithms developed to predict the effect of missense changes on protein structure and function are either unavailable or do not agree on the potential impact of this missense change (SIFT: "Not Available"; PolyPhen-2: "Possibly Damaging"; Align-GVGD: "Not Available"). In summary, the available evidence is currently insufficient to determine the role of this variant in disease. Therefore, it has been classified as a Variant of Uncertain Significance.